The following is an entry in ClinVar:

ClinVar aggregate classification (germline): Pathogenic (1 of 4 stars; one submission).

Conditions:
Hereditary cancer-predisposing syndrome. Also called: Neoplastic Syndromes, Hereditary; Tumor predisposition; Hereditary Cancer Syndrome; Hereditary neoplastic syndrome. Identifiers: Orphanet 140162, MedGen C0027672, MeSH D009386, MONDO:0015356.

Submission:

Ambry Genetics
Classification: Pathogenic for Hereditary cancer-predisposing syndrome. Last evaluated: 2024-11-05. Review status: criteria provided, single submitter. Criteria: Ambry Variant Classification Scheme 2023. Collection method: clinical testing. Allele origin: germline.
Comment: The c.2475dupC pathogenic mutation, located in coding exon 16 of the ATM gene, results from a duplication of C at nucleotide position 2475, causing a translational frameshift with a predicted alternate stop codon (p.I826Hfs*6). This variant is considered to be rare based on population cohorts in the Genome Aggregation Database (gnomAD). This alteration is expected to result in loss of function by premature protein truncation or nonsense-mediated mRNA decay. As such, this alteration is interpreted as a disease-causing mutation.

NM_000051.4(ATM):c.2475dup (p.Ile826fs)

Gene: ATM (ATM serine/threonine kinase; plus strand). Cytogenetic location: 11q22.3.
Variant type: Duplication.
Coding change: c.2475dup on transcript NM_000051.4 (MANE Select); coding-DNA position 2475, one base duplicated (C; older notation c.2475dupC).
Protein change: p.Ile826fs; shifts the reading frame from isoleucine 826.
Molecular consequence: frameshift variant.
Genome position (GRCh38, 1-based): chr11:108,267,179, C duplicated. VCF-style (leftmost placement, unchanged base first): chr11-108267178-T-TC. GRCh37 (hg19) VCF-style: chr11-108137905-T-TC.
Other names: c.2475dup, p.Ile826fs (NM_001351834.2); short protein forms I826fs.
Identifiers: ClinVar variation 821349 (VCV000821349.5), dbSNP rs1591587103, ClinGen allele CA915948365.